The following is an entry in ClinVar:

ClinVar aggregate classification (germline): Uncertain significance (1 of 4 stars; one submission).

Conditions:
Primary ciliary dyskinesia 19. Also called: CILIARY DYSKINESIA, PRIMARY, 19, WITH OR WITHOUT SITUS INVERSUS. Identifiers: Orphanet 244, MedGen C3543826, MONDO:0013979, OMIM 614935.

Submission:

Labcorp Genetics (formerly Invitae), Labcorp
Classification: Uncertain significance for Ciliary dyskinesia, primary, 19. Last evaluated: 2019-04-17. Review status: criteria provided, single submitter. Criteria: Invitae Variant Classification Sherloc (09022015). Collection method: clinical testing. Allele origin: germline.
Comment: This sequence change replaces aspartic acid with tyrosine at codon 175 of the LRRC6 protein (p.Asp175Tyr). The aspartic acid residue is weakly conserved and there is a large physicochemical difference between aspartic acid and tyrosine. This variant is not present in population databases (ExAC no frequency). This variant has not been reported in the literature in individuals with LRRC6-related conditions. Algorithms developed to predict the effect of missense changes on protein structure and function are either unavailable or do not agree on the potential impact of this missense change (SIFT: "Deleterious"; PolyPhen-2: "Benign"; Align-GVGD: "Class C0"). In summary, the available evidence is currently insufficient to determine the role of this variant in disease. Therefore, it has been classified as a Variant of Uncertain Significance.

NM_012472.6(DNAAF11):c.523G>T (p.Asp175Tyr)

Gene: DNAAF11 (dynein axonemal assembly factor 11; minus strand). Cytogenetic location: 8q24.22.
Variant type: single nucleotide variant.
Coding change: c.523G>T on transcript NM_012472.6 (MANE Select); coding-DNA position 523, G replaced by T.
Protein change: p.Asp175Tyr; replaces aspartic acid 175 with tyrosine.
Molecular consequence: missense variant. On other transcripts: non-coding transcript variant (1).
Genome position (GRCh38, 1-based): chr8:132,632,870, C>A on the plus strand (G>T on the coding strand, the complement: DNAAF11 is on the minus strand). VCF-style: chr8-132632870-C-A. GRCh37 (hg19) VCF-style: chr8-133645116-C-A.
Other names: c.523G>T, p.Asp175Tyr (NM_001321961.2); c.277G>T, p.Asp93Tyr (NM_001321962.2); c.163G>T, p.Asp55Tyr (NM_001321963.2, NM_001321964.2, NM_001321965.2 and 1 more transcripts); short protein forms D93Y, D175Y, D55Y.
Identifiers: ClinVar variation 837965 (VCV000837965.1), dbSNP rs1379337413, ClinGen allele CA372295229.
Genomic context (GRCh38, chr8:132,632,870, plus strand): 5'-CCTCTTCTTGGTGTTTCCTCTGAGCCTCTTCCTTGAGTTTGGCTCGTTTAAGACAGTGAT[C>A]TTTTTCCTGCTCTCTGATTTGTGGTTCAATTACTGAATAGTCCTGCAATGCCTTAATCCT-3'
Protein context (NP_036604.2, residues 165-185): IEPQIREQEK[Asp175Tyr]HCLKRAKLKE